The following is an entry in ClinVar:

ClinVar aggregate classification (germline): Uncertain significance (1 of 4 stars; one submission).

Conditions:
Aortic aneurysm, familial thoracic 4 (AAT4). Also called: AORTIC ANEURYSM/AORTIC DISSECTION AND PATENT DUCTUS ARTERIOSUS. Identifiers: MedGen C1851504, MONDO:0007568, OMIM 132900.

Submission:

Labcorp Genetics (formerly Invitae), Labcorp
Classification: Uncertain significance for Aortic aneurysm, familial thoracic 4. Last evaluated: 2023-02-22. Review status: criteria provided, single submitter. Criteria: Invitae Variant Classification Sherloc (09022015). Collection method: clinical testing. Allele origin: germline.
Comment: In summary, the available evidence is currently insufficient to determine the role of this variant in disease. Therefore, it has been classified as a Variant of Uncertain Significance. Experimental studies and prediction algorithms are not available or were not evaluated, and the functional significance of this variant is currently unknown. This variant has not been reported in the literature in individuals affected with MYH11-related conditions. This variant is not present in population databases (gnomAD no frequency). This variant, c.5519_5521del, results in the deletion of 1 amino acid(s) of the MYH11 protein (p.Glu1840del), but otherwise preserves the integrity of the reading frame.

NM_002474.3(MYH11):c.5495AGG[1] (p.Glu1833del)

Genes: NDE1 (nudE neurodevelopment protein 1; plus strand), MYH11 (myosin heavy chain 11; minus strand). Cytogenetic location: 16p13.11.
Variant type: Microsatellite.
Coding change: c.5495AGG[1] on transcript NM_002474.3 (MANE Select); one copy of the 3-base unit AGG starting at c.5495; the reference has two copies in a row; one copy, 3 bases deleted.
Protein change: p.Glu1833del; deletes glutamic acid 1833.
Molecular consequence: inframe deletion. On other transcripts: intron variant (2).
Genome position (GRCh38, 1-based): chr16:15,717,144-15,717,146, CCT deleted on the plus strand (AGG on the coding strand, the reverse complement: MYH11 is on the minus strand); deleting any 3 consecutive bases within chr16:15,717,144-15,717,149 gives the same sequence; the position shown is the placement nearest the transcript's 3' end. VCF-style (leftmost placement, unchanged base first): chr16-15717143-GCCT-G. GRCh37 (hg19) VCF-style: chr16-15811000-GCCT-G.
Other names: c.5516AGG[1], p.Glu1840del (NM_001040113.2, NM_001040114.2); c.5495AGG[1], p.Glu1833del (NM_022844.3); c.948-7044_948-7042del (NM_001143979.2, NM_017668.3); short protein forms E1833del, E1840del.
Identifiers: ClinVar variation 2786587 (VCV002786587.3), dbSNP rs2506082496, ClinGen allele CA2739266620.